The following is an entry in ClinVar:

NM_152773.5(DYNLT2B):c.57G>A (p.Glu19=)

Genes: DYNLT2B (dynein light chain Tctex-type 2B; minus strand), TM4SF19-DYNLT2B (TM4SF19-DYNLT2B readthrough (NMD candidate); minus strand), LOC129938285 (ATAC-STARR-seq lymphoblastoid active region 21087; plus strand). Cytogenetic location: 3q29.
Variant type: single nucleotide variant.
Coding change: c.57G>A on transcript NM_152773.5 (MANE Select); coding-DNA position 57, G replaced by A.
Protein change: p.Glu19=; no amino-acid change (glutamic acid 19 retained).
Molecular consequence: synonymous variant.
Genome position (GRCh38, 1-based): chr3:196,318,096, C>T on the plus strand (G>A on the coding strand, the complement: DYNLT2B is on the minus strand). VCF-style: chr3-196318096-C-T. GRCh37 (hg19) VCF-style: chr3-196044967-C-T.
Other names: c.57G>A, p.Glu19= (NM_001351628.2).
Identifiers: ClinVar variation 779236 (VCV000779236.13), dbSNP rs145476537, ClinGen allele CA2779842.

ClinVar aggregate classification (germline): Benign/Likely benign. Review status: criteria provided, multiple submitters, no conflicts (2 of 4 stars). 4 submissions from 4 submitters: Benign (2); Likely benign (1). 1 of the submissions does not count toward it. Last evaluated 2025-11-05.

Conditions:
DYNLT2B-related disorder. Also called: DYNLT2B-related condition.

Allele frequency attached by ClinVar (database versions not stated): gnomAD exomes 0.00024 and 0.00047; ExAC 0.00096; 1000 Genomes Project 0.00240; ESP Exome Variant Server 0.00269; gnomAD 0.00271 and 0.00294; 1000 Genomes Project 30x 0.00281; TOPMed 0.00313.
gnomAD v4.1: 757 of 1,567,116 alleles (0.048%); highest among the groups gnomAD compares: African/African-American, 0.99%; 3 homozygotes.

Submissions (4):

Labcorp Genetics (formerly Invitae), Labcorp
Classification: Benign. Last evaluated: 2025-11-05. Review status: criteria provided, single submitter. Criteria: Invitae Variant Classification Sherloc (09022015). Collection method: clinical testing. Allele origin: germline.

Blueprint Genetics
Classification: Likely benign. Last evaluated: 2024-01-23. Review status: criteria provided, single submitter. Criteria: ACMG Guidelines, 2015. Collection method: clinical testing. Allele origin: germline.

Breakthrough Genomics
Classification: Benign. Review status: criteria provided, single submitter. Criteria: ACMG Guidelines, 2015. Collection method: not provided. Allele origin: germline. Inheritance: Autosomal recessive inheritance. Affected: yes.

PreventionGenetics, part of Exact Sciences
Classification: Likely benign for DYNLT2B-related condition. Last evaluated: 2019-02-23. Review status: no assertion criteria provided. Collection method: clinical testing. Allele origin: germline. Not counted in ClinVar's aggregate classification.
Comment: This variant is classified as likely benign based on ACMG/AMP sequence variant interpretation guidelines (Richards et al. 2015 PMID: 25741868, with internal and published modifications).